The following is an entry in ClinVar:

NM_000059.4(BRCA2):c.6455C>T (p.Ser2152Phe)

Gene: BRCA2 (BRCA2 DNA repair associated; plus strand). Cytogenetic location: 13q13.1.
Variant type: single nucleotide variant.
Coding change: c.6455C>T on transcript NM_000059.4 (MANE Select); coding-DNA position 6455, C replaced by T.
Protein change: p.Ser2152Phe; replaces serine 2152 with phenylalanine.
Molecular consequence: missense variant.
Genome position (GRCh38, 1-based): chr13:32,340,810, C>T. VCF-style: chr13-32340810-C-T. GRCh37 (hg19) VCF-style: chr13-32914947-C-T.
Other names: short protein forms S2152F.
Identifiers: ClinVar variation 419880 (VCV000419880.21), dbSNP rs80358881, ClinGen allele CA16619747.
Genomic context (GRCh38, chr13:32,340,810, plus strand): 5'-TATCAAATAACTTAAATGTTGAAGGTGGTTCTTCAGAAAATAATCACTCTATTAAAGTTT[C>T]TCCATATCTCTCTCAATTTCAACAAGACAAACAACAGTTGGTATTAGGAACCAAAGTGTC-3'
Protein context (NP_000050.3, residues 2142-2162): SSENNHSIKV[Ser2152Phe]PYLSQFQQDK

ClinVar aggregate classification (germline): Conflicting classifications of pathogenicity. Review status: criteria provided, conflicting classifications (1 of 4 stars). 6 submissions from 6 submitters: Uncertain significance (5); Likely benign (1). Last evaluated 2025-07-24.

Conditions:
Hereditary cancer-predisposing syndrome. Also called: Hereditary neoplastic syndrome; Hereditary Cancer Syndrome; Neoplastic Syndromes, Hereditary; Tumor predisposition. Identifiers: Orphanet 140162, MedGen C0027672, MeSH D009386, MONDO:0015356.
Breast-ovarian cancer, familial, susceptibility to, 2 (BROVCA2). Also called: BRCA2 Hereditary Breast and Ovarian Cancer. Identifiers: Orphanet 145, MedGen C2675520, MONDO:0012933, OMIM 612555. Disease mechanism: loss of function.
Hereditary breast ovarian cancer syndrome. Also called: Hereditary breast and ovarian cancer syndrome; BRCA1- and BRCA2-Associated Hereditary Breast and Ovarian Cancer; Hereditary breast and/or ovarian cancer syndrome; Hereditary breast and ovarian cancer; Breast and ovarian cancer; Hereditary breast and ovarian cancer syndrome (HBOC). Identifiers: Orphanet 145, MedGen C0677776, MeSH D061325, MONDO:0003582. Disease mechanism: loss of function.

Submissions (6):

Labcorp Genetics (formerly Invitae), Labcorp
Classification: Uncertain significance for Hereditary breast ovarian cancer syndrome. Last evaluated: 2025-07-24. Review status: criteria provided, single submitter. Criteria: Invitae Variant Classification Sherloc (09022015). Collection method: clinical testing. Allele origin: germline.
Comment: This sequence change replaces serine, which is neutral and polar, with phenylalanine, which is neutral and non-polar, at codon 2152 of the BRCA2 protein (p.Ser2152Phe). This variant is not present in population databases (gnomAD no frequency). This variant has not been reported in the literature in individuals affected with BRCA2-related conditions. ClinVar contains an entry for this variant (Variation ID: 419880). Invitae Evidence Modeling of protein sequence and biophysical properties (such as structural, functional, and spatial information, amino acid conservation, physicochemical variation, residue mobility, and thermodynamic stability) indicates that this missense variant is not expected to disrupt BRCA2 protein function with a negative predictive value of 95%. In summary, the available evidence is currently insufficient to determine the role of this variant in disease. Therefore, it has been classified as a Variant of Uncertain Significance.

Ambry Genetics
Classification: Uncertain significance for Hereditary cancer-predisposing syndrome. Last evaluated: 2024-11-12. Review status: criteria provided, single submitter. Criteria: Ambry Variant Classification Scheme 2023. Collection method: clinical testing. Allele origin: germline.
Comment: The p.S2152F variant (also known as c.6455C>T), located in coding exon 10 of the BRCA2 gene, results from a C to T substitution at nucleotide position 6455. The serine at codon 2152 is replaced by phenylalanine, an amino acid with highly dissimilar properties. This amino acid position is not well conserved in available vertebrate species. In addition, the in silico prediction for this alteration is inconclusive. Since supporting evidence is limited at this time, the clinical significance of this alteration remains unclear.

All of Us Research Program, National Institutes of Health
Classification: Uncertain significance for Breast-ovarian cancer, familial, susceptibility to, 2. Last evaluated: 2023-08-15. Review status: criteria provided, single submitter. Criteria: ACMG Guidelines, 2015. Collection method: clinical testing. Allele origin: germline. Inheritance: Autosomal dominant inheritance. Observed: 1 variant allele, 1 heterozygote.
Comment: This missense variant replaces serine with phenylalanine at codon 2152 of the BRCA2 protein. Computational prediction suggests that this variant may not impact protein structure and function (internally defined REVEL score threshold <= 0.5, PMID: 27666373). To our knowledge, functional studies have not been reported for this variant. This variant has not been reported in individuals affected with hereditary cancer in the literature. This variant has not been identified in the general population by the Genome Aggregation Database (gnomAD). The available evidence is insufficient to determine the role of this variant in disease conclusively. Therefore, this variant is classified as a Variant of Uncertain Significance.

This study involves interpretation of variants in research participants for the purpose of population health screening. Participant phenotype was not available at the time of variant classification. Additional details can be found in publication PMID: 35346344, PMCID: PMC8962531

University of Washington Department of Laboratory Medicine, University of Washington
Classification: Likely benign for Hereditary cancer-predisposing syndrome. Last evaluated: 2023-03-23. Review status: criteria provided, single submitter. Criteria: Dines et al. (Genet Med. 2020). Collection method: curation. Allele origin: germline.
Comment: Missense variant in a coldspot region where missense variants are very unlikely to be pathogenic (PMID:31911673).

BRCA2 exon 11 coldspot. Reclassification based on statistical prior probability.

GeneDx
Classification: Uncertain significance. Last evaluated: 2022-12-08. Review status: criteria provided, single submitter. Criteria: GeneDx Variant Classification Process June 2021. Collection method: clinical testing. Allele origin: germline. Affected: yes.
Comment: Not observed at significant frequency in large population cohorts (gnomAD); In silico analysis supports that this missense variant does not alter protein structure/function; Has not been previously published as pathogenic or benign to our knowledge; Also known as 6683C>T; This variant is associated with the following publications: (PMID: 32377563, 29884841)

Color Diagnostics, LLC DBA Color Health
Classification: Uncertain significance for Hereditary cancer-predisposing syndrome. Last evaluated: 2022-03-18. Review status: criteria provided, single submitter. Criteria: ACMG Guidelines, 2015. Collection method: clinical testing. Allele origin: germline.
Comment: This missense variant replaces serine with phenylalanine at codon 2152 of the BRCA2 protein. Computational prediction suggests that this variant may not impact protein structure and function (internally defined REVEL score threshold <= 0.5, PMID: 27666373). To our knowledge, functional studies have not been reported for this variant. This variant has not been reported in individuals affected with hereditary cancer in the literature. This variant has not been identified in the general population by the Genome Aggregation Database (gnomAD). The available evidence is insufficient to determine the role of this variant in disease conclusively. Therefore, this variant is classified as a Variant of Uncertain Significance.